The following is an entry in ClinVar:

NM_130468.4(CHST14):c.970C>T (p.Arg324Cys)

Gene: CHST14 (carbohydrate sulfotransferase 14; plus strand). Cytogenetic location: 15q15.1.
Variant type: single nucleotide variant.
Coding change: c.970C>T on transcript NM_130468.4 (MANE Select); coding-DNA position 970, C replaced by T.
Protein change: p.Arg324Cys; replaces arginine 324 with cysteine.
Molecular consequence: missense variant.
Genome position (GRCh38, 1-based): chr15:40,472,183, C>T. VCF-style: chr15-40472183-C-T. GRCh37 (hg19) VCF-style: chr15-40764382-C-T.
Other names: short protein forms R324C.
Identifiers: ClinVar variation 1767942 (VCV001767942.2), dbSNP rs757297535, ClinGen allele CA7481673.

ClinVar aggregate classification (germline): Uncertain significance (1 of 4 stars; one submission).

Conditions:
Cardiovascular phenotype. Identifiers: MedGen CN230736.

Allele frequency attached by ClinVar (database versions not stated): gnomAD exomes below 0.00001; ExAC 0.00001; gnomAD 0.00001; TOPMed 0.00001.
gnomAD v4.1: 6 of 1,613,978 alleles (0.00037%); highest among the groups gnomAD compares: Admixed American, 0.005%; no homozygotes.

Submission:

Ambry Genetics
Classification: Uncertain significance for Cardiovascular phenotype. Last evaluated: 2022-08-03. Review status: criteria provided, single submitter. Criteria: Ambry Variant Classification Scheme 2023. Collection method: clinical testing. Allele origin: germline.
Comment: The p.R324C variant (also known as c.970C>T), located in coding exon 1 of the CHST14 gene, results from a C to T substitution at nucleotide position 970. The arginine at codon 324 is replaced by cysteine, an amino acid with highly dissimilar properties. This amino acid position is highly conserved in available vertebrate species. In addition, this alteration is predicted to be deleterious by in silico analysis. Since supporting evidence is limited at this time, the clinical significance of this alteration remains unclear.